The following is an entry in ClinVar:

ClinVar aggregate classification (germline): Uncertain significance. Review status: criteria provided, multiple submitters, no conflicts (2 of 4 stars). 3 submissions from 3 submitters: Uncertain significance (3). Last evaluated 2023-04-11.

Conditions:
Developmental and epileptic encephalopathy, 18 (DEE18). Also called: Early infantile epileptic encephalopathy 18. Identifiers: Orphanet 369894, MedGen C3809624, MONDO:0014201, OMIM 615476.
Inborn genetic diseases. Identifiers: MedGen C0950123, MeSH D030342.

Allele frequency attached by ClinVar (database versions not stated): TOPMed 0.00002; gnomAD 0.00003 and 0.00004; gnomAD exomes 0.00004 and 0.00005; ExAC 0.00006.
gnomAD v4.1: 66 of 1,598,318 alleles (0.0041%); highest among the groups gnomAD compares: East Asian, 0.053%; no homozygotes.

Submissions (3):

Genome-Nilou Lab
Classification: Uncertain significance for Developmental and epileptic encephalopathy, 18. Last evaluated: 2023-04-11. Review status: criteria provided, single submitter. Criteria: ACMG Guidelines, 2015. Collection method: clinical testing. Allele origin: germline. Affected: no.

Ambry Genetics
Classification: Uncertain significance for Inborn genetic diseases. Last evaluated: 2021-12-17. Review status: criteria provided, single submitter. Criteria: Ambry Variant Classification Scheme 2023. Collection method: clinical testing. Allele origin: germline.

Labcorp Genetics (formerly Invitae), Labcorp
Classification: Uncertain significance. Last evaluated: 2021-09-01. Review status: criteria provided, single submitter. Criteria: Invitae Variant Classification Sherloc (09022015). Collection method: clinical testing. Allele origin: germline.
Comment: This sequence change replaces glycine with serine at codon 466 of the SZT2 protein (p.Gly466Ser). The glycine residue is weakly conserved and there is a small physicochemical difference between glycine and serine. This variant is present in population databases (rs749086217, ExAC 0.01%). This variant has not been reported in the literature in individuals affected with SZT2-related conditions. Algorithms developed to predict the effect of missense changes on protein structure and function are either unavailable or do not agree on the potential impact of this missense change (SIFT: "Tolerated"; PolyPhen-2: "Possibly Damaging"; Align-GVGD: "Class C0"). In summary, the available evidence is currently insufficient to determine the role of this variant in disease. Therefore, it has been classified as a Variant of Uncertain Significance.

NM_001365999.1(SZT2):c.1396G>A (p.Gly466Ser)

Gene: SZT2 (SZT2 subunit of KICSTOR complex; plus strand). Cytogenetic location: 1p34.2.
Variant type: single nucleotide variant.
Coding change: c.1396G>A on transcript NM_001365999.1 (MANE Select); coding-DNA position 1396, G replaced by A.
Protein change: p.Gly466Ser; replaces glycine 466 with serine.
Molecular consequence: missense variant.
Genome position (GRCh38, 1-based): chr1:43,420,883, G>A. VCF-style: chr1-43420883-G-A. GRCh37 (hg19) VCF-style: chr1-43886554-G-A.
Other names: c.1396G>A, p.Gly466Ser (NM_015284.4); c.1396G>A (NM_015284.3); short protein forms G466S.
Identifiers: ClinVar variation 1016069 (VCV001016069.7), dbSNP rs749086217, ClinGen allele CA808409.